The following is an entry in ClinVar:

NM_001374736.1(DST):c.21592G>A (p.Asp7198Asn)

Gene: DST (dystonin; minus strand). Cytogenetic location: 6p12.1.
Variant type: single nucleotide variant.
Coding change: c.21592G>A on transcript NM_001374736.1 (MANE Select); coding-DNA position 21592, G replaced by A.
Protein change: p.Asp7198Asn; replaces aspartic acid 7198 with asparagine.
Molecular consequence: missense variant.
Genome position (GRCh38, 1-based): chr6:56,477,428, C>T on the plus strand (G>A on the coding strand, the complement: DST is on the minus strand). VCF-style: chr6-56477428-C-T. GRCh37 (hg19) VCF-style: chr6-56342226-C-T.
Other names: c.15235G>A, p.Asp5079Asn (NM_001144769.5); c.14821G>A, p.Asp4941Asn (NM_001144770.2); c.21592G>A, p.Asp7198Asn (NM_001374722.1); c.20632G>A, p.Asp6878Asn (NM_001374729.1); c.14374G>A, p.Asp4792Asn (NM_001374730.1); c.21619G>A, p.Asp7207Asn (NM_001374734.1); c.14701G>A, p.Asp4901Asn (NM_001386100.1, NM_183380.4); c.13723G>A, p.Asp4575Asn (NM_015548.5); short protein forms D4901N, D4941N, D5079N, D6878N, D4575N, D4792N, D7198N, D7207N.
Identifiers: ClinVar variation 2148137 (VCV002148137.1), dbSNP rs376182350, ClinGen allele CA3866431.

ClinVar aggregate classification (germline): Uncertain significance (1 of 4 stars; one submission).

Conditions:
Hereditary sensory and autonomic neuropathy type 6. Also called: Neuropathy, hereditary sensory and autonomic, type VI; HSAN VI. Identifiers: Orphanet 314381, MedGen C3539003, MONDO:0013839, OMIM 614653.
Epidermolysis bullosa simplex 3, localized or generalized intermediate, with BP230 deficiency (EBS3). Also called: Epidermolysis bullosa simplex due to BP230 deficiency; Epidermolysis bullosa simplex, autosomal recessive 2. Identifiers: Orphanet 412181, MedGen C3809470, MONDO:0014180, OMIM 615425.

Allele frequency attached by ClinVar (database versions not stated): ExAC 0.00001; gnomAD exomes 0.00001; TOPMed 0.00001; ESP Exome Variant Server 0.00008.
gnomAD v4.1: 21 of 1,613,912 alleles (0.0013%); highest among the groups gnomAD compares: Non-Finnish European, 0.0017%; no homozygotes.

Submission:

Labcorp Genetics (formerly Invitae), Labcorp
Classification: Uncertain significance for Epidermolysis bullosa simplex 3, localized or generalized intermediate, with BP230 deficiency; Hereditary sensory and autonomic neuropathy type 6. Last evaluated: 2022-03-05. Review status: criteria provided, single submitter. Criteria: Invitae Variant Classification Sherloc (09022015). Collection method: clinical testing. Allele origin: germline.
Comment: The DST gene has multiple clinically relevant transcripts. This variant occurs in alternate transcript NM_015548.4, and corresponds to NM_001723.5:c.*138089G>A in the primary transcript. This sequence change replaces aspartic acid, which is acidic and polar, with asparagine, which is neutral and polar, at codon 4575 of the DST protein (p.Asp4575Asn). This variant is present in population databases (rs376182350, gnomAD 0.002%). This variant has not been reported in the literature in individuals affected with DST-related conditions. Experimental studies and prediction algorithms are not available or were not evaluated, and the functional significance of this variant is currently unknown. In summary, the available evidence is currently insufficient to determine the role of this variant in disease. Therefore, it has been classified as a Variant of Uncertain Significance.